The following is an entry in ClinVar:

NM_001029883.3(PCARE):c.2988dup (p.Thr997fs)

Gene: PCARE (photoreceptor cilium actin regulator; minus strand). Cytogenetic location: 2p23.2.
Variant type: Duplication.
Coding change: c.2988dup on transcript NM_001029883.3 (MANE Select); coding-DNA position 2988, one base duplicated (C; older notation c.2988dupC).
Protein change: p.Thr997fs; shifts the reading frame from threonine 997.
Molecular consequence: frameshift variant.
Genome position (GRCh38, 1-based): chr2:29,071,274, G duplicated on the plus strand (C on the coding strand, the reverse complement: PCARE is on the minus strand); the first of 3 consecutive G bases (chr2:29,071,274-29,071,276); duplicating any one gives the same sequence. VCF-style (leftmost placement, unchanged base first): chr2-29071273-T-TG. GRCh37 (hg19) VCF-style: chr2-29294139-T-TG.
Other names: c.2988dupC (NM_001029883.3); short protein forms T997fs.
Identifiers: ClinVar variation 143088 (VCV000143088.3), dbSNP rs527236056, ClinGen allele CA270032.

ClinVar aggregate classification (germline): Pathogenic. Review status: criteria provided, single submitter (1 of 4 stars). 2 submissions from 2 submitters: Pathogenic (1). 1 of the submissions does not count toward it. Last evaluated 2023-10-01.

Conditions:
Retinal dystrophy. Also called: Inherited retinal dystrophy. Identifiers: Orphanet 71862, MedGen C0854723, MeSH D058499, MONDO:0019118, HP:0000556.
Retinitis pigmentosa (RP). Identifiers: Orphanet 791, MedGen C0035334, MeSH D012174, MONDO:0019200, OMIM 268000. Inheritance: Autosomal dominant, autosomal recessive and X linked inheritance.

Submissions (2):

Dept Of Ophthalmology, Nagoya University
Classification: Pathogenic for Retinal dystrophy. Last evaluated: 2023-10-01. Review status: criteria provided, single submitter. Criteria: Submitter's publication. Collection method: research. Allele origin: germline. Affected: yes.

Department of Ophthalmology and Visual Sciences Kyoto University
Classification: Likely pathogenic for Retinitis pigmentosa. Review status: no assertion criteria provided. Collection method: not provided. Allele origin: unknown. Not counted in ClinVar's aggregate classification.
ClinVar note: Converted during submission from probable-pathogenic to Likely pathogenic.